The following is an entry in ClinVar:

NM_001195305.3(BBIP1):c.245_248dup (p.Glu84fs)

Gene: BBIP1 (BBSome interacting protein 1; minus strand). Cytogenetic location: 10q25.2.
Variant type: Duplication.
Coding change: c.245_248dup on transcript NM_001195305.3 (MANE Select); coding-DNA positions 245 to 248, 4 bases duplicated (TGGC; older notation c.245_248dupTGGC).
Protein change: p.Glu84fs; shifts the reading frame from glutamic acid 84.
Molecular consequence: frameshift variant. On other transcripts: 3 prime UTR variant (1).
Genome position (GRCh38, 1-based): chr10:110,900,391-110,900,394, GCCA duplicated on the plus strand (TGGC on the coding strand, the reverse complement: BBIP1 is on the minus strand). VCF-style (leftmost placement, unchanged base first): chr10-110900390-T-TGCCA. GRCh37 (hg19) VCF-style: chr10-112660148-T-TGCCA.
Other names: c.*90_*93dup (NM_001195304.2); c.245_248dup, p.Glu84fs (NM_001195306.2); c.170_173dup, p.Glu59fs (NM_001195307.2); c.179_182dup, p.Glu62fs (NM_001243783.3); short protein forms E62fs, E84fs, E59fs.
Identifiers: ClinVar variation 1364265 (VCV001364265.7), dbSNP rs1210114050, ClinGen allele CA595730019.

ClinVar aggregate classification (germline): Uncertain significance. Review status: criteria provided, multiple submitters, no conflicts (2 of 4 stars). 2 submissions from 2 submitters: Uncertain significance (2). Last evaluated 2022-08-03.

Conditions:
Bardet-Biedl syndrome 18 (BBS18). Identifiers: Orphanet 110, MedGen C3806174, MONDO:0014446, OMIM 615995.

Allele frequency attached by ClinVar (database versions not stated): gnomAD exomes 0.00001 and 0.00003; TOPMed 0.00002.

Submissions (2):

Labcorp Genetics (formerly Invitae), Labcorp
Classification: Uncertain significance. Last evaluated: 2022-08-03. Review status: criteria provided, single submitter. Criteria: Invitae Variant Classification Sherloc (09022015). Collection method: clinical testing. Allele origin: germline.
Comment: In summary, the available evidence is currently insufficient to determine the role of this variant in disease. Therefore, it has been classified as a Variant of Uncertain Significance. Experimental studies and prediction algorithms are not available or were not evaluated, and the functional significance of this variant is currently unknown. ClinVar contains an entry for this variant (Variation ID: 1364265). This variant has not been reported in the literature in individuals affected with BBIP1-related conditions. This variant is present in population databases (no rsID available, gnomAD 0.02%). This sequence change results in a frameshift in the BBIP1 gene (p.Glu84Glyfs*15). While this is not anticipated to result in nonsense mediated decay, it is expected to disrupt the last 9 amino acid(s) of the BBIP1 protein and extend the protein by 5 additional amino acid residues.

Fulgent Genetics
Classification: Uncertain significance for Bardet-Biedl syndrome 18. Last evaluated: 2022-05-05. Review status: criteria provided, single submitter. Criteria: ACMG Guidelines, 2015. Collection method: clinical testing. Allele origin: unknown.